The following is an entry in ClinVar:

ClinVar aggregate classification (germline): Likely benign. Review status: criteria provided, multiple submitters, no conflicts (2 of 4 stars). 4 submissions from 4 submitters: Likely benign (4). Last evaluated 2026-07-01.

Allele frequency attached by ClinVar (database versions not stated): 1000 Genomes Project 30x 0.00016; 1000 Genomes Project 0.00020; gnomAD exomes 0.00024 and 0.00041; ExAC 0.00027; ESP Exome Variant Server 0.00031; gnomAD 0.00038 and 0.00040; TOPMed 0.00044.
gnomAD v4.1: 428 of 1,614,246 alleles (0.027%); highest among the groups gnomAD compares: Middle Eastern, 0.2%; no homozygotes.

Submissions (4):

CeGaT Center for Human Genetics Tuebingen
Classification: Likely benign. Last evaluated: 2026-07-01. Review status: criteria provided, single submitter. Criteria: CeGaT Center For Human Genetics Tuebingen Variant Classification Criteria Version 2. Collection method: clinical testing. Allele origin: germline. Affected: yes. Observed: 2 variant alleles.
Comment: FAT2: BP4, BP7

Labcorp Genetics (formerly Invitae), Labcorp
Classification: Likely benign. Last evaluated: 2025-12-13. Review status: criteria provided, single submitter. Criteria: Invitae Variant Classification Sherloc (09022015). Collection method: clinical testing. Allele origin: germline.

Blueprint Genetics
Classification: Likely benign. Last evaluated: 2024-07-26. Review status: criteria provided, single submitter. Criteria: ACMG Guidelines, 2015. Collection method: clinical testing. Allele origin: germline.

Breakthrough Genomics
Classification: Likely benign. Review status: criteria provided, single submitter. Criteria: ACMG Guidelines, 2015. Collection method: not provided. Allele origin: germline. Inheritance: Autosomal dominant inheritance. Affected: yes.

NM_001447.3(FAT2):c.4131C>T (p.Pro1377=)

Genes: FAT2 (FAT atypical cadherin 2; minus strand), SLC36A1 (solute carrier family 36 member 1; plus strand). Cytogenetic location: 5q33.1.
Variant type: single nucleotide variant.
Coding change: c.4131C>T on transcript NM_001447.3 (MANE Select); coding-DNA position 4131, C replaced by T.
Protein change: p.Pro1377=; no amino-acid change (proline 1377 retained).
Molecular consequence: synonymous variant.
Genome position (GRCh38, 1-based): chr5:151,553,202, G>A on the plus strand (C>T on the coding strand, the complement: FAT2 is on the minus strand). VCF-style: chr5-151553202-G-A. GRCh37 (hg19) VCF-style: chr5-150932763-G-A.
Identifiers: ClinVar variation 731324 (VCV000731324.35), dbSNP rs201832661, ClinGen allele CA3521637.